The following is an entry in ClinVar:

NM_025215.6(PUS1):c.115G>C (p.Gly39Arg)

Genes: PUS1 (pseudouridine synthase 1; plus strand), LOC130009240 (ATAC-STARR-seq lymphoblastoid silent region 5107; plus strand). Cytogenetic location: 12q24.33.
Variant type: single nucleotide variant.
Coding change: c.115G>C on transcript NM_025215.6 (MANE Select); coding-DNA position 115, G replaced by C.
Protein change: p.Gly39Arg; replaces glycine 39 with arginine.
Molecular consequence: missense variant.
Genome position (GRCh38, 1-based): chr12:131,929,947, G>C. VCF-style: chr12-131929947-G-C. GRCh37 (hg19) VCF-style: chr12-132414492-G-C.
Other names: c.31G>C, p.Gly11Arg (NM_001002019.3, NM_001002020.3); short protein forms G11R, G39R.
Identifiers: ClinVar variation 3628682 (VCV003628682.2).

ClinVar aggregate classification (germline): Uncertain significance (1 of 4 stars; one submission).

gnomAD v4.1: 3 of 1,497,602 alleles (0.0002%); highest among the groups gnomAD compares: Non-Finnish European, 0.00026%; no homozygotes.

Submission:

Labcorp Genetics (formerly Invitae), Labcorp
Classification: Uncertain significance. Last evaluated: 2024-02-16. Review status: criteria provided, single submitter. Criteria: Invitae Variant Classification Sherloc (09022015). Collection method: clinical testing. Allele origin: germline.
Comment: This sequence change replaces glycine, which is neutral and non-polar, with arginine, which is basic and polar, at codon 39 of the PUS1 protein (p.Gly39Arg). This variant is present in population databases (rs760384342, gnomAD 0.002%). This variant has not been reported in the literature in individuals affected with PUS1-related conditions. Algorithms developed to predict the effect of missense changes on protein structure and function output the following: SIFT: "Not Available"; PolyPhen-2: "Benign"; Align-GVGD: "Not Available". The arginine amino acid residue is found in multiple mammalian species, which suggests that this missense change does not adversely affect protein function. In summary, the available evidence is currently insufficient to determine the role of this variant in disease. Therefore, it has been classified as a Variant of Uncertain Significance.